The following is an entry in ClinVar:

ClinVar aggregate classification (germline): Uncertain significance (1 of 4 stars; one submission).

Submission:

Labcorp Genetics (formerly Invitae), Labcorp
Classification: Uncertain significance. Last evaluated: 2025-08-14. Review status: criteria provided, single submitter. Criteria: Invitae Variant Classification Sherloc (09022015). Collection method: clinical testing. Allele origin: germline.
Comment: This sequence change replaces methionine, which is neutral and non-polar, with isoleucine, which is neutral and non-polar, at codon 413 of the TCIRG1 protein (p.Met413Ile). This variant is not present in population databases (gnomAD no frequency). This variant has not been reported in the literature in individuals affected with TCIRG1-related conditions. Invitae Evidence Modeling of protein sequence and biophysical properties (such as structural, functional, and spatial information, amino acid conservation, physicochemical variation, residue mobility, and thermodynamic stability) indicates that this missense variant is not expected to disrupt TCIRG1 protein function with a negative predictive value of 80%. In summary, the available evidence is currently insufficient to determine the role of this variant in disease. Therefore, it has been classified as a Variant of Uncertain Significance.

NM_006019.4(TCIRG1):c.1239G>A (p.Met413Ile)

Gene: TCIRG1 (T cell immune regulator 1, ATPase H+ transporting V0 subunit a3; plus strand). Cytogenetic location: 11q13.2.
Variant type: single nucleotide variant.
Coding change: c.1239G>A on transcript NM_006019.4 (MANE Select); coding-DNA position 1239, G replaced by A.
Protein change: p.Met413Ile; replaces methionine 413 with isoleucine.
Molecular consequence: missense variant. On other transcripts: intron variant (1).
Genome position (GRCh38, 1-based): chr11:68,047,506, G>A. VCF-style: chr11-68047506-G-A. GRCh37 (hg19) VCF-style: chr11-67814973-G-A.
Other names: c.345G>A, p.Met115Ile (NM_001351059.2); c.1239G>A, p.Met413Ile (NM_001440552.1, NM_001440553.1, NM_001440554.1 and 2 more transcripts); c.1197G>A, p.Met399Ile (NM_001440555.1, NM_001440556.1, NM_001440563.1); c.1026G>A, p.Met342Ile (NM_001440559.1, NM_001440560.1, NM_001440561.1 and 3 more transcripts); c.591G>A, p.Met197Ile (NM_006053.4); c.504-376G>A (NM_001440569.1); c.984G>A, p.Met328Ile (NM_001440564.1); c.939G>A, p.Met313Ile (NM_001440565.1); and 1 more; short protein forms M115I, M313I, M342I, M413I, M257I, M328I, M399I, M197I.
Identifiers: ClinVar variation 4770095 (VCV004770095.1).